The following is an entry in ClinVar:

NM_001018115.3(FANCD2):c.1235T>C (p.Ile412Thr)

Genes: FANCD2 (FA complementation group D2; plus strand), LOC107303338 (3p25 FANCD2 Alu-mediated recombination region; plus strand). Cytogenetic location: 3p25.3.
Variant type: single nucleotide variant.
Coding change: c.1235T>C on transcript NM_001018115.3 (MANE Select); coding-DNA position 1235, T replaced by C.
Protein change: p.Ile412Thr; replaces isoleucine 412 with threonine.
Molecular consequence: missense variant.
Genome position (GRCh38, 1-based): chr3:10,046,680, T>C. VCF-style: chr3-10046680-T-C. GRCh37 (hg19) VCF-style: chr3-10088364-T-C.
Other names: c.1235T>C, p.Ile412Thr (NM_001319984.2, NM_001374253.1, NM_001374254.1 and 1 more transcripts); short protein forms I412T.
Identifiers: ClinVar variation 1419154 (VCV001419154.9), dbSNP rs148255762, ClinGen allele CA2249557.

ClinVar aggregate classification (germline): Uncertain significance. Review status: criteria provided, multiple submitters, no conflicts (2 of 4 stars). 2 submissions from 2 submitters: Uncertain significance (2). Last evaluated 2022-04-20.

Conditions:
Fanconi anemia complementation group D2. Also called: FANCD2-Related Fanconi Anemia; FANCONI PANCYTOPENIA, TYPE 4; FANCONI ANEMIA, COMPLEMENTATION GROUP D. Identifiers: Orphanet 84, MedGen C3160738, MONDO:0009214, OMIM 227646.
Fanconi anemia (FA). Also called: Fanconi's anemia. Identifiers: Orphanet 84, MedGen C0015625, MeSH D005199, MONDO:0019391.

Allele frequency attached by ClinVar (database versions not stated): gnomAD 0.00001; gnomAD exomes 0.00002 and 0.00003; ExAC 0.00004; ESP Exome Variant Server 0.00008.

Submissions (2):

Fulgent Genetics
Classification: Uncertain significance for Fanconi anemia complementation group D2. Last evaluated: 2022-04-20. Review status: criteria provided, single submitter. Criteria: ACMG Guidelines, 2015. Collection method: clinical testing. Allele origin: unknown.

Labcorp Genetics (formerly Invitae), Labcorp
Classification: Uncertain significance for Fanconi anemia. Last evaluated: 2021-02-23. Review status: criteria provided, single submitter. Criteria: Invitae Variant Classification Sherloc (09022015). Collection method: clinical testing. Allele origin: germline.
Comment: This sequence change replaces isoleucine with threonine at codon 412 of the FANCD2 protein (p.Ile412Thr). The isoleucine residue is moderately conserved and there is a moderate physicochemical difference between isoleucine and threonine. This variant is present in population databases (rs148255762, ExAC 0.007%). This variant has not been reported in the literature in individuals with FANCD2-related conditions. Algorithms developed to predict the effect of missense changes on protein structure and function are either unavailable or do not agree on the potential impact of this missense change (SIFT: "Deleterious"; PolyPhen-2: "Possibly Damaging"; Align-GVGD: "Class C0"). In summary, the available evidence is currently insufficient to determine the role of this variant in disease. Therefore, it has been classified as a Variant of Uncertain Significance.